The following is an entry in ClinVar:

ClinVar aggregate classification (germline): Likely pathogenic (1 of 4 stars; one submission).

Submission:

GeneDx
Classification: Likely pathogenic. Last evaluated: 2016-10-03. Review status: criteria provided, single submitter. Criteria: GeneDx Variant Classification (06012015). Collection method: clinical testing. Allele origin: germline. Affected: yes.
Comment: The c.3039_3045dupCAGTGAG variant in the ASXL1 gene has not been reported previously as a pathogenic variant nor as a benign variant, to our knowledge. This frameshift variant replaces the typical last 526 amino acid residues in the ASXL1 protein with one incorrect amino acid residue. This change is expected to alter the normal structure and function of the resultant protein. The c.3039_3045dupCAGTGAG variant was not observed in approximately 6500 individuals of European and African American ancestry in the NHLBI Exome Sequencing Project, indicating it is not a common benign variant in these populations. Therefore, c.3039_3045dupCAGTGAG is a strong candidate for a pathogenic variant, however the possibility it may be a rare benign variant cannot be excluded.

NM_015338.6(ASXL1):c.3039_3045dup (p.Ala1016delinsGlnTer)

Gene: ASXL1 (ASXL transcriptional regulator 1; plus strand). Cytogenetic location: 20q11.21.
Variant type: Duplication.
Coding change: c.3039_3045dup on transcript NM_015338.6 (MANE Select); coding-DNA positions 3039 to 3045, 7 bases duplicated (CAGTGAG; older notation c.3039_3045dupCAGTGAG).
Protein change: p.Ala1016delinsGlnTer.
Molecular consequence: nonsense.
Genome position (GRCh38, 1-based): chr20:32,435,751-32,435,757, CAGTGAG duplicated; duplicating any 7 consecutive bases within chr20:32,435,749-32,435,757 gives the same sequence; the c. name uses the placement nearest the transcript's 3' end. VCF-style (leftmost placement, unchanged base first): chr20-32435748-C-CAGCAGTG. GRCh37 (hg19) VCF-style: chr20-31023551-C-CAGCAGTG.
Other names: c.3039_3045dupCAGTGAG (NM_015338.5); c.2856_2862dup, p.Ala955delinsGlnTer (NM_001363734.1).
Identifiers: ClinVar variation 422347 (VCV000422347.2), dbSNP rs1555912392, ClinGen allele CA16620925.